The following is an entry in ClinVar:

ClinVar aggregate classification (germline): Likely pathogenic. Review status: criteria provided, multiple submitters, no conflicts (2 of 4 stars). 6 submissions from 6 submitters: Likely pathogenic (6). Last evaluated 2026-07-10.

Conditions:
Collagen 6-related myopathy. Identifiers: MedGen CN117976, MONDO:0100225.
Ullrich congenital muscular dystrophy 1A. Also called: Ullrich congenital muscular dystrophy 1; Intermediate COL6-RD. Identifiers: Orphanet 75840, MedGen C0410179, MONDO:0009681, OMIM 254090.
Bethlem myopathy 1A. Also called: Bethlem myopathy 1; Bethlem Muscular Dystrophy; MYOPATHY, BENIGN CONGENITAL, WITH CONTRACTURES. Identifiers: Orphanet 610, MedGen CN029274, MONDO:0024530, OMIM 158810.

Allele frequency attached by ClinVar (database versions not stated): gnomAD exomes 0.00001; TOPMed 0.00001; gnomAD 0.00003 and 0.00004.
gnomAD v4.1: 28 of 1,581,322 alleles (0.0018%); highest among the groups gnomAD compares: African/African-American, 0.0041%; no homozygotes.

Submissions (6):

Clinical Omics and Informatics (COIN) Unit, Neuroscience Institute, University Of Cape Town
Classification: Likely pathogenic for Collagen 6-related myopathy. Last evaluated: 2026-07-10. Review status: criteria provided, single submitter. Criteria: ACMG Guidelines, 2015. Collection method: research. Allele origin: germline. Inheritance: Autosomal recessive inheritance. Affected: yes. Observed: 1 variant allele, 1 compound heterozygote.
Comment: PM2_supporting: the highest population allele frequency in gnomAD v2.1.1 is 0.00003 (0.003%; 3/97248 alleles in European non-Finnish population) and in gnomAD v3.1.2 is 0.00007240 (0.007%; 3/97248 alleles in African/African American population). There are no homozygous observations in both gnomAD datasets. This variant is absent from an internal dataset. PS4_supporting: this variant has been observed in at least 2 unrelated probands with consistent phenotype for disorder (PMID 24271325, Invitae). PM5 met: other pathogenic variants (p.Arg876Ser) at amino acid residue 876 in COL6A2 have been identified (PMID 15689448, 20106987, 24271325). PP3_strong: REVEL score is 0.95. Sequencing funded by the International Centre for Genomic Medicine in Neuromuscular Diseases (ICGNMD).

Dasa
Classification: Likely pathogenic. Last evaluated: 2025-11-01. Review status: criteria provided, single submitter. Criteria: DASA Assertion Criteria. Collection method: clinical testing. Allele origin: germline.
Comment: NM_001849.4(COL6A2):c.2627G>A (p.Arg876His) is a missense variant that results in the substitution of arginine with histidine. This variant has been recurrently observed in individuals with COL6A2-related disorders (PMID: 15689448; PMID: 20106987; PMID: 31127727). Also, this variant is rare in population databases. Computational evidence supports a deleterious effect. Based on the currently available evidence, this variant is classified as likely pathogenic.

Labcorp Genetics (formerly Invitae), Labcorp
Classification: Likely pathogenic for Bethlem myopathy 1A. Last evaluated: 2024-08-12. Review status: criteria provided, single submitter. Criteria: Invitae Variant Classification Sherloc (09022015). Collection method: clinical testing. Allele origin: germline.
Comment: This sequence change replaces arginine, which is basic and polar, with histidine, which is basic and polar, at codon 876 of the COL6A2 protein (p.Arg876His). The frequency data for this variant in the population databases is considered unreliable, as metrics indicate poor data quality at this position in the gnomAD database. This missense change has been observed in individuals with clinical features of autosomal recessive COL6A2-related conditions (PMID: 24271325, 31127727; Invitae). ClinVar contains an entry for this variant (Variation ID: 493328). Advanced modeling of protein sequence and biophysical properties (such as structural, functional, and spatial information, amino acid conservation, physicochemical variation, residue mobility, and thermodynamic stability) performed at Invitae indicates that this missense variant is expected to disrupt COL6A2 protein function with a positive predictive value of 80%. This variant disrupts the p.Arg876 amino acid residue in COL6A2. Other variant(s) that disrupt this residue have been determined to be pathogenic (PMID: 15689448, 20106987, 24271325). This suggests that this residue is clinically significant, and that variants that disrupt this residue are likely to be disease-causing. In summary, the currently available evidence indicates that the variant is pathogenic, but additional data are needed to prove that conclusively. Therefore, this variant has been classified as Likely Pathogenic.

Neuberg Centre For Genomic Medicine, NCGM
Classification: Likely pathogenic for Ullrich congenital muscular dystrophy 1A. Last evaluated: 2023-05-20. Review status: criteria provided, single submitter. Criteria: ACMG Guidelines, 2015. Collection method: clinical testing. Allele origin: germline. Inheritance: Autosomal recessive inheritance. Affected: yes.
Comment: The missense c.2627G>A (p.Arg876His) variant in the COL6A2 gene has been observed in individuals with clinical features of autosomal recessive COL6A2-related conditions (Westra, Dineke et al., 2019). This variant is reported with the allele frequency (0.001%) in the gnomAD Exome. It is submitted to ClinVar as Likely Pathogenic. The amino acid Arginine at position 876 is changed to a Histidine changing protein sequence and it might alter its composition and physico-chemical properties. Multiple lines of computational evidence (Polyphen - Probably damaging, SIFT – Damaging and MutationTaster - Disease causing) predict a damaging effect on protein structure and function for this variant. The amino acid arginine in COL6A2 is predicted as conserved by GERP++ and PhyloP across 100 vertebrates. Functional studies are required to prove the pathogenicity of the variant. For these reasons, this variant has been classified as Likely Pathogenic.

Revvity Omics, Revvity
Classification: Likely pathogenic. Last evaluated: 2023-04-01. Review status: criteria provided, single submitter. Criteria: ACMG Guidelines, 2015. Collection method: clinical testing. Allele origin: germline.

CeGaT Center for Human Genetics Tuebingen
Classification: Likely pathogenic. Last evaluated: 2017-10-31. Review status: criteria provided, single submitter. Criteria: Praxis fuer Humangenetik Tuebingen - Variant Classification Criteria. Collection method: clinical testing. Allele origin: germline. Affected: yes. Observed: 1 variant allele.

Literature cited by the submitters: PubMed 24271325 (cited by Clinical Omics and Informatics (COIN) Unit, Neuroscience Institute, University Of Cape Town and Labcorp Genetics (formerly Invitae), Labcorp); PubMed 15689448 (cited by 3 submitters); PubMed 20106987 (cited by 3 submitters); PubMed 31127727 (cited by Dasa and Labcorp Genetics (formerly Invitae), Labcorp).

NM_001849.4(COL6A2):c.2627G>A (p.Arg876His)

Gene: COL6A2 (collagen type VI alpha 2 chain; plus strand). Cytogenetic location: 21q22.3.
Variant type: single nucleotide variant.
Coding change: c.2627G>A on transcript NM_001849.4 (MANE Select); coding-DNA position 2627, G replaced by A.
Protein change: p.Arg876His; replaces arginine 876 with histidine.
Molecular consequence: missense variant.
Genome position (GRCh38, 1-based): chr21:46,132,119, G>A. VCF-style: chr21-46132119-G-A. GRCh37 (hg19) VCF-style: chr21-47552033-G-A.
Other names: short protein forms R876H.
Identifiers: ClinVar variation 493328 (VCV000493328.16), dbSNP rs1012567148, ClinGen allele CA321979833.
Genomic context (GRCh38, chr21:46,132,119, plus strand): 5'-TGGAGCAGGTGGCGCGGCGGCTGACGCTGGCCCGGAGGGACGACGACCCTCTCAACGCAC[G>A]CGTGGCGCTGCTGCAGTTTGGTGGCCCCGGCGAGCAGCAGGTGGCCTTCCCGCTGAGCCA-3'
Protein context (NP_001840.3, residues 866-886): ARRDDDPLNA[Arg876His]VALLQFGGPG